The following is an entry in ClinVar:

NM_001143854.2(RPH3A):c.1009G>A (p.Gly337Arg)

Gene: RPH3A (rabphilin 3A; plus strand). Cytogenetic location: 12q24.13.
Variant type: single nucleotide variant.
Coding change: c.1009G>A on transcript NM_001143854.2 (MANE Select); coding-DNA position 1009, G replaced by A.
Protein change: p.Gly337Arg; replaces glycine 337 with arginine.
Molecular consequence: missense variant. On other transcripts: non-coding transcript variant (2).
Genome position (GRCh38, 1-based): chr12:112,876,704, G>A. VCF-style: chr12-112876704-G-A. GRCh37 (hg19) VCF-style: chr12-113314509-G-A.
Other names: c.1009G>A, p.Gly337Arg (NM_001347952.2, NM_001347953.1, NM_001347954.2); c.808G>A, p.Gly270Arg (NM_001347955.2); c.997G>A, p.Gly333Arg (NM_014954.4); short protein forms G333R, G337R, G270R.
Identifiers: ClinVar variation 4978667 (VCV004978667.1).

ClinVar aggregate classification (germline): Likely benign (1 of 4 stars; one submission).

Conditions:
RPH3A-related condition.

gnomAD v4.1: 155 of 1,613,132 alleles (0.0096%); highest among the groups gnomAD compares: African/African-American, 0.18%; 1 homozygote.

Submission:

PreventionGenetics, part of Exact Sciences
Classification: Likely benign for RPH3A-related condition. Last evaluated: 2026-01-25. Review status: criteria provided, single submitter. Criteria: ACMG Guidelines, 2015. Collection method: clinical testing. Allele origin: germline.
Comment: This variant is classified as likely benign based on ACMG/AMP sequence variant interpretation guidelines (Richards et al. 2015 PMID: 25741868, with internal and published modifications).